The following is an entry in ClinVar:

NM_182916.3(TRNT1):c.763A>G (p.Ile255Val)

Gene: TRNT1 (tRNA nucleotidyl transferase 1; plus strand). Cytogenetic location: 3p26.2.
Variant type: single nucleotide variant.
Coding change: c.763A>G on transcript NM_182916.3 (MANE Select); coding-DNA position 763, A replaced by G.
Protein change: p.Ile255Val; replaces isoleucine 255 with valine.
Molecular consequence: missense variant. On other transcripts: non-coding transcript variant (6), intron variant (1).
Genome position (GRCh38, 1-based): chr3:3,146,584, A>G. VCF-style: chr3-3146584-A-G. GRCh37 (hg19) VCF-style: chr3-3188268-A-G.
Other names: c.763A>G, p.Ile255Val (NM_001367321.1, NM_001367322.1, NM_001367323.1); c.742+21A>G (NM_001302946.2); c.763A>G (NM_182916.2); short protein forms I255V.
Identifiers: ClinVar variation 998681 (VCV000998681.3), dbSNP rs776889080, ClinGen allele CA2228769.

ClinVar aggregate classification (germline): Uncertain significance. Review status: criteria provided, multiple submitters, no conflicts (2 of 4 stars). 2 submissions from 2 submitters: Uncertain significance (2). Last evaluated 2025-06-06.

Conditions:
Inborn genetic diseases. Identifiers: MedGen C0950123, MeSH D030342.
Congenital sideroblastic anemia-B-cell immunodeficiency-periodic fever-developmental delay syndrome. Also called: Sideroblastic anemia with B-cell immunodeficiency, periodic fevers, and developmental delay. Identifiers: Orphanet 369861, MedGen C4015172, MONDO:0014487, OMIM 616084.

Allele frequency attached by ClinVar (database versions not stated): ExAC 0.00001; gnomAD exomes 0.00001 and below 0.00001; gnomAD 0.00001; TOPMed 0.00001.
gnomAD v4.1: 6 of 1,613,702 alleles (0.00037%); highest among the groups gnomAD compares: Admixed American, 0.0033%; no homozygotes.

Submissions (2):

Ambry Genetics
Classification: Uncertain significance for Inborn genetic diseases. Last evaluated: 2025-06-06. Review status: criteria provided, single submitter. Criteria: Ambry Variant Classification Scheme 2023. Collection method: clinical testing. Allele origin: germline.

Labcorp Genetics (formerly Invitae), Labcorp
Classification: Uncertain significance for Congenital sideroblastic anemia-B-cell immunodeficiency-periodic fever-developmental delay syndrome. Last evaluated: 2021-08-20. Review status: criteria provided, single submitter. Criteria: Invitae Variant Classification Sherloc (09022015). Collection method: clinical testing. Allele origin: germline.
Comment: This sequence change replaces isoleucine with valine at codon 255 of the TRNT1 protein (p.Ile255Val). The isoleucine residue is weakly conserved and there is a small physicochemical difference between isoleucine and valine. This variant is present in population databases (rs776889080, ExAC 0.002%). This variant has not been reported in the literature in individuals affected with TRNT1-related conditions. Algorithms developed to predict the effect of missense changes on protein structure and function output the following: SIFT: "Tolerated"; PolyPhen-2: "Benign"; Align-GVGD: "Class C0". The valine amino acid residue is found in multiple mammalian species, which suggests that this missense change does not adversely affect protein function. In summary, the available evidence is currently insufficient to determine the role of this variant in disease. Therefore, it has been classified as a Variant of Uncertain Significance.